The following is an entry in ClinVar:

ClinVar aggregate classification (germline): Uncertain significance. Review status: criteria provided, multiple submitters, no conflicts (2 of 4 stars). 4 submissions from 4 submitters: Uncertain significance (3). 1 of the submissions does not count toward it. Last evaluated 2025-11-21.

Conditions:
CDH23-related disorder. Also called: CDH23-related condition; CDH23-related disorders.
Usher syndrome type 1 (USH1). Also called: RETINITIS PIGMENTOSA AND CONGENITAL DEAFNESS. Identifiers: Orphanet 231169, Orphanet 886, MedGen C1568247, MONDO:0010168, OMIM 276900.

Allele frequency attached by ClinVar (database versions not stated): gnomAD exomes below 0.00001 and 0.00001; gnomAD 0.00001; TOPMed 0.00001.
gnomAD v4.1: 17 of 1,613,670 alleles (0.0011%); highest among the groups gnomAD compares: Middle Eastern, 0.016%; no homozygotes.

Submissions (4):

PreventionGenetics, part of Exact Sciences
Classification: Uncertain significance for CDH23-related condition. Last evaluated: 2025-11-21. Review status: criteria provided, single submitter. Criteria: ACMG Guidelines, 2015. Collection method: clinical testing. Allele origin: germline.
Comment: The CDH23 c.2561G>A variant is predicted to result in the amino acid substitution p.Arg854His. To our knowledge, this variant has not been reported in the literature. An alternate substitution of this amino acid residue (p.Arg854Cys) has been reported along with a second CDH23 variant in an individual with hearing loss (Adeyemo et al. 2022. PubMed ID: 34837038). This variant is present in 0.0065% of alleles in individuals of African descent in gnomAD. At this time, the clinical significance of this variant is uncertain due to the absence of conclusive functional and genetic evidence.

Labcorp Genetics (formerly Invitae), Labcorp
Classification: Uncertain significance. Last evaluated: 2025-04-16. Review status: criteria provided, single submitter. Criteria: Invitae Variant Classification Sherloc (09022015). Collection method: clinical testing. Allele origin: germline.
Comment: This sequence change replaces arginine, which is basic and polar, with histidine, which is basic and polar, at codon 854 of the CDH23 protein (p.Arg854His). This variant is present in population databases (no rsID available, gnomAD 0.007%). This variant has not been reported in the literature in individuals affected with CDH23-related conditions. ClinVar contains an entry for this variant (Variation ID: 840303). Invitae Evidence Modeling of protein sequence and biophysical properties (such as structural, functional, and spatial information, amino acid conservation, physicochemical variation, residue mobility, and thermodynamic stability) has been performed for this missense variant. However, the output from this modeling did not meet the statistical confidence thresholds required to predict the impact of this variant on CDH23 protein function. In summary, the available evidence is currently insufficient to determine the role of this variant in disease. Therefore, it has been classified as a Variant of Uncertain Significance.

Blueprint Genetics
Classification: Uncertain significance. Last evaluated: 2022-03-15. Review status: criteria provided, single submitter. Criteria: ACMG Guidelines, 2015. Collection method: clinical testing. Allele origin: germline.

Natera, Inc.
Classification: Uncertain significance for Usher syndrome type 1. Last evaluated: 2021-09-13. Review status: no assertion criteria provided. Collection method: clinical testing. Allele origin: germline. Not counted in ClinVar's aggregate classification.

NM_022124.6(CDH23):c.2561G>A (p.Arg854His)

Gene: CDH23 (cadherin related 23; plus strand). Cytogenetic location: 10q22.1.
Variant type: single nucleotide variant.
Coding change: c.2561G>A on transcript NM_022124.6 (MANE Select); coding-DNA position 2561, G replaced by A.
Protein change: p.Arg854His; replaces arginine 854 with histidine.
Molecular consequence: missense variant.
Genome position (GRCh38, 1-based): chr10:71,702,185, G>A. VCF-style: chr10-71702185-G-A. GRCh37 (hg19) VCF-style: chr10-73461942-G-A.
Other names: c.2561G>A, p.Arg854His (NM_001171930.2, NM_001171931.2); short protein forms R854H.
Identifiers: ClinVar variation 840303 (VCV000840303.9), dbSNP rs1283888780, ClinGen allele CA377137789.
Genomic context (GRCh38, chr10:71,702,185, plus strand): 5'-GCACCACCCACGCCATGCTGGACCGGGAGAACCCCGACCCCCATGAGGCCGAGCTGATGC[G>A]CAAAATCGTCGTCTCTGTTACTGACTGTATGGACCCCTCTCGCCCCTCACGGCCCCCACA-3'
Protein context (NP_071407.4, residues 844-864): NPDPHEAELM[Arg854His]KIVVSVTDCG